The following is an entry in ClinVar:

ClinVar aggregate classification (germline): Uncertain significance (1 of 4 stars; one submission).

Submission:

Labcorp Genetics (formerly Invitae), Labcorp
Classification: Uncertain significance. Last evaluated: 2024-03-25. Review status: criteria provided, single submitter. Criteria: Invitae Variant Classification Sherloc (09022015). Collection method: clinical testing. Allele origin: germline.
Comment: This sequence change replaces alanine, which is neutral and non-polar, with valine, which is neutral and non-polar, at codon 68 of the HUWE1 protein (p.Ala68Val). This variant is not present in population databases (gnomAD no frequency). This variant has not been reported in the literature in individuals affected with HUWE1-related conditions. Advanced modeling of protein sequence and biophysical properties (such as structural, functional, and spatial information, amino acid conservation, physicochemical variation, residue mobility, and thermodynamic stability) performed at Invitae indicates that this missense variant is expected to disrupt HUWE1 protein function with a positive predictive value of 80%. In summary, the available evidence is currently insufficient to determine the role of this variant in disease. Therefore, it has been classified as a Variant of Uncertain Significance.

NM_031407.7(HUWE1):c.203C>T (p.Ala68Val)

Gene: HUWE1 (HECT, UBA and WWE domain containing E3 ubiquitin protein ligase 1; minus strand). Cytogenetic location: Xp11.22.
Variant type: single nucleotide variant.
Coding change: c.203C>T on transcript NM_031407.7 (MANE Select); coding-DNA position 203, C replaced by T.
Protein change: p.Ala68Val; replaces alanine 68 with valine.
Molecular consequence: missense variant.
Genome position (GRCh38, 1-based): chrX:53,647,516, G>A on the plus strand (C>T on the coding strand, the complement: HUWE1 is on the minus strand). VCF-style: chrX-53647516-G-A. GRCh37 (hg19) VCF-style: chrX-53674459-G-A.
Other names: short protein forms A68V.
Identifiers: ClinVar variation 3678030 (VCV003678030.2).